The following is an entry in ClinVar:

NM_025074.7(FRAS1):c.6764-2A>G

Gene: FRAS1 (Fraser extracellular matrix complex subunit 1; plus strand). Cytogenetic location: 4q21.21.
Variant type: single nucleotide variant.
Coding change: c.6764-2A>G on transcript NM_025074.7 (MANE Select); the canonical splice acceptor site of the intron before coding-DNA position 6764, A replaced by G.
Molecular consequence: splice acceptor variant.
Genome position (GRCh38, 1-based): chr4:78,464,019, A>G. VCF-style: chr4-78464019-A-G. GRCh37 (hg19) VCF-style: chr4-79385173-A-G.
Identifiers: ClinVar variation 4780914 (VCV004780914.1).

ClinVar aggregate classification (germline): Likely pathogenic (1 of 4 stars; one submission).

gnomAD v4.1: 1 of 1,612,644 alleles (0.000062%); highest among the groups gnomAD compares: African/African-American, 0.0013%; no homozygotes.

Submission:

Labcorp Genetics (formerly Invitae), Labcorp
Classification: Likely pathogenic. Last evaluated: 2025-05-09. Review status: criteria provided, single submitter. Criteria: Invitae Variant Classification Sherloc (09022015). Collection method: clinical testing. Allele origin: germline.
Comment: This sequence change affects an acceptor splice site in intron 47 of the FRAS1 gene. It is expected to disrupt RNA splicing. Variants that disrupt the donor or acceptor splice site typically lead to a loss of protein function (PMID: 16199547), and loss-of-function variants in FRAS1 are known to be pathogenic (PMID: 12766769, 18671281). This variant is not present in population databases (gnomAD no frequency). This variant has not been reported in the literature in individuals affected with FRAS1-related conditions. Algorithms developed to predict the effect of sequence changes on RNA splicing suggest that this variant may disrupt the consensus splice site. In summary, the currently available evidence indicates that the variant is pathogenic, but additional data are needed to prove that conclusively. Therefore, this variant has been classified as Likely Pathogenic.

Literature cited by the submitters: PubMed 16199547; PubMed 12766769; PubMed 18671281.